The following is an entry in ClinVar:

ClinVar aggregate classification (germline): Uncertain significance. Review status: criteria provided, multiple submitters, no conflicts (2 of 4 stars). 2 submissions from 2 submitters: Uncertain significance (2). Last evaluated 2025-09-09.

Conditions:
Inborn genetic diseases. Identifiers: MedGen C0950123, MeSH D030342.
Neuropathy, hereditary sensory and autonomic, type 1C. Also called: HSAN IC; HSN IC. Identifiers: Orphanet 36386, MedGen C3150896, MONDO:0013337, OMIM 613640.

Submissions (2):

Ambry Genetics
Classification: Uncertain significance for Inborn genetic diseases. Last evaluated: 2025-09-09. Review status: criteria provided, single submitter. Criteria: Ambry Variant Classification Scheme 2023. Collection method: clinical testing. Allele origin: germline.

Labcorp Genetics (formerly Invitae), Labcorp
Classification: Uncertain significance for Neuropathy, hereditary sensory and autonomic, type 1C. Last evaluated: 2022-08-20. Review status: criteria provided, single submitter. Criteria: Invitae Variant Classification Sherloc (09022015). Collection method: clinical testing. Allele origin: germline.
Comment: In summary, the available evidence is currently insufficient to determine the role of this variant in disease. Therefore, it has been classified as a Variant of Uncertain Significance. Algorithms developed to predict the effect of missense changes on protein structure and function are either unavailable or do not agree on the potential impact of this missense change (SIFT: "Deleterious"; PolyPhen-2: "Benign"; Align-GVGD: "Class C0"). This variant has not been reported in the literature in individuals affected with SPTLC2-related conditions. This variant is not present in population databases (gnomAD no frequency). This sequence change replaces aspartic acid, which is acidic and polar, with glycine, which is neutral and non-polar, at codon 369 of the SPTLC2 protein (p.Asp369Gly).

NM_004863.4(SPTLC2):c.1106A>G (p.Asp369Gly)

Gene: SPTLC2 (serine palmitoyltransferase long chain base subunit 2; minus strand). Cytogenetic location: 14q24.3.
Variant type: single nucleotide variant.
Coding change: c.1106A>G on transcript NM_004863.4 (MANE Select); coding-DNA position 1106, A replaced by G.
Protein change: p.Asp369Gly; replaces aspartic acid 369 with glycine.
Molecular consequence: missense variant.
Genome position (GRCh38, 1-based): chr14:77,555,370, T>C on the plus strand (A>G on the coding strand, the complement: SPTLC2 is on the minus strand). VCF-style: chr14-77555370-T-C. GRCh37 (hg19) VCF-style: chr14-78021713-T-C.
Other names: short protein forms D369G.
Identifiers: ClinVar variation 2158169 (VCV002158169.5), dbSNP rs2503486615, ClinGen allele CA390708585.